The following is an entry in ClinVar:

NM_025074.7(FRAS1):c.6754G>A (p.Ala2252Thr)

Gene: FRAS1 (Fraser extracellular matrix complex subunit 1; plus strand). Cytogenetic location: 4q21.21.
Variant type: single nucleotide variant.
Coding change: c.6754G>A on transcript NM_025074.7 (MANE Select); coding-DNA position 6754, G replaced by A.
Protein change: p.Ala2252Thr; replaces alanine 2252 with threonine.
Molecular consequence: missense variant.
Genome position (GRCh38, 1-based): chr4:78,452,345, G>A. VCF-style: chr4-78452345-G-A. GRCh37 (hg19) VCF-style: chr4-79373499-G-A.
Other names: p.Ala2252Thr; short protein forms A2252T.
Identifiers: ClinVar variation 349743 (VCV000349743.15), dbSNP rs78404051, ClinGen allele CA2977868.

ClinVar aggregate classification (germline): Benign. Review status: criteria provided, multiple submitters, no conflicts (2 of 4 stars). 4 submissions from 4 submitters: Benign (4). Last evaluated 2026-02-02.

Conditions:
Fraser syndrome 1 (FRASRS1). Also called: CRYPTOPHTHALMOS WITH OTHER MALFORMATIONS. Identifiers: Orphanet 2052, MedGen C4551480, MONDO:0054737, OMIM 219000.

Allele frequency attached by ClinVar (database versions not stated): gnomAD exomes 0.00248 and 0.00659; ExAC 0.00831; ESP Exome Variant Server 0.02568; gnomAD 0.02620 and 0.02812; TOPMed 0.02866; 1000 Genomes Project 0.03015; 1000 Genomes Project 30x 0.03295.
gnomAD v4.1: 7,726 of 1,601,078 alleles (0.48%); highest among the groups gnomAD compares: African/African-American, 8.9%; 323 homozygotes.

Submissions (4):

Labcorp Genetics (formerly Invitae), Labcorp
Classification: Benign. Last evaluated: 2026-02-02. Review status: criteria provided, single submitter. Criteria: Invitae Variant Classification Sherloc (09022015). Collection method: clinical testing. Allele origin: germline.

Mayo Clinic Laboratories, Mayo Clinic
Classification: Benign. Last evaluated: 2023-04-10. Review status: criteria provided, single submitter. Criteria: ACMG Guidelines, 2015. Collection method: clinical testing. Allele origin: germline. Observed: 1 variant allele.

Illumina Laboratory Services, Illumina
Classification: Benign for Fraser syndrome 1. Last evaluated: 2018-01-13. Review status: criteria provided, single submitter. Criteria: ICSL Variant Classification Criteria 13 December 2019. Collection method: clinical testing. Allele origin: germline.
Comment: This variant was observed in the ICSL laboratory as part of a predisposition screen in an ostensibly healthy population. It had not been previously curated by ICSL or reported in the Human Gene Mutation Database (HGMD: prior to June 1st, 2018), and was therefore a candidate for classification through an automated scoring system. Utilizing variant allele frequency, disease prevalence and penetrance estimates, and inheritance mode, an automated score was calculated to assess if this variant is too frequent to cause the disease. Based on the score and internal cut-off values, a variant classified as benign is not then subjected to further curation. The score for this variant resulted in a classification of benign for this disease.

Breakthrough Genomics
Classification: Benign. Review status: criteria provided, single submitter. Criteria: ACMG Guidelines, 2015. Collection method: not provided. Allele origin: germline. Inheritance: Autosomal recessive inheritance. Affected: yes.